The following is an entry in ClinVar:

NM_206933.4(USH2A):c.15203A>G (p.His5068Arg)

Gene: USH2A (usherin; minus strand). Cytogenetic location: 1q41.
Variant type: single nucleotide variant.
Coding change: c.15203A>G on transcript NM_206933.4 (MANE Select); coding-DNA position 15203, A replaced by G.
Protein change: p.His5068Arg; replaces histidine 5068 with arginine.
Molecular consequence: missense variant.
Genome position (GRCh38, 1-based): chr1:215,634,553, T>C on the plus strand (A>G on the coding strand, the complement: USH2A is on the minus strand). VCF-style: chr1-215634553-T-C. GRCh37 (hg19) VCF-style: chr1-215807895-T-C.
Other names: c.15203A>G (NM_206933.2); short protein forms H5068R.
Identifiers: ClinVar variation 2144210 (VCV002144210.4), dbSNP rs759908492, ClinGen allele CA1392768.

ClinVar aggregate classification (germline): Uncertain significance. Review status: criteria provided, multiple submitters, no conflicts (2 of 4 stars). 2 submissions from 2 submitters: Uncertain significance (2). Last evaluated 2025-09-22.

Conditions:
Inborn genetic diseases. Identifiers: MedGen C0950123, MeSH D030342.

Allele frequency attached by ClinVar (database versions not stated): ExAC 0.00001; gnomAD 0.00001; TOPMed 0.00002.
gnomAD v4.1: 2 of 1,614,098 alleles (0.00012%); highest among the groups gnomAD compares: African/African-American, 0.0027%; no homozygotes.

Submissions (2):

Ambry Genetics
Classification: Uncertain significance for Inborn genetic diseases. Last evaluated: 2025-09-22. Review status: criteria provided, single submitter. Criteria: Ambry Variant Classification Scheme 2023. Collection method: clinical testing. Allele origin: germline.

Labcorp Genetics (formerly Invitae), Labcorp
Classification: Uncertain significance. Last evaluated: 2024-10-15. Review status: criteria provided, single submitter. Criteria: Invitae Variant Classification Sherloc (09022015). Collection method: clinical testing. Allele origin: germline.
Comment: This sequence change replaces histidine, which is basic and polar, with arginine, which is basic and polar, at codon 5068 of the USH2A protein (p.His5068Arg). This variant is present in population databases (rs759908492, gnomAD 0.007%). This variant has not been reported in the literature in individuals affected with USH2A-related conditions. ClinVar contains an entry for this variant (Variation ID: 2144210). Invitae Evidence Modeling of protein sequence and biophysical properties (such as structural, functional, and spatial information, amino acid conservation, physicochemical variation, residue mobility, and thermodynamic stability) indicates that this missense variant is not expected to disrupt USH2A protein function with a negative predictive value of 95%. In summary, the available evidence is currently insufficient to determine the role of this variant in disease. Therefore, it has been classified as a Variant of Uncertain Significance.